The following is an entry in ClinVar:

ClinVar aggregate classification (germline): Likely benign (0 of 4 stars; one submission).

Conditions:
IFT43-related disorder. Also called: IFT43-related condition.

Allele frequency attached by ClinVar (database versions not stated): TOPMed 0.00003; gnomAD 0.00017; gnomAD exomes 0.00029; ExAC 0.00063; 1000 Genomes Project 30x 0.00078; 1000 Genomes Project 0.00080.
gnomAD v4.1: 462 of 1,614,102 alleles (0.029%); highest among the groups gnomAD compares: South Asian, 0.47%; 6 homozygotes.

Submission:

PreventionGenetics, part of Exact Sciences
Classification: Likely benign for IFT43-related condition. Last evaluated: 2022-12-08. Review status: no assertion criteria provided. Collection method: clinical testing. Allele origin: germline.
Comment: This variant is classified as likely benign based on ACMG/AMP sequence variant interpretation guidelines (Richards et al. 2015 PMID: 25741868, with internal and published modifications).

NM_001102564.3(IFT43):c.271C>G (p.Leu91Val)

Gene: IFT43 (intraflagellar transport 43; plus strand). Cytogenetic location: 14q24.3.
Variant type: single nucleotide variant.
Coding change: c.271C>G on transcript NM_001102564.3 (MANE Select); coding-DNA position 271, C replaced by G.
Protein change: p.Leu91Val; replaces leucine 91 with valine.
Molecular consequence: missense variant. On other transcripts: non-coding transcript variant (1), intron variant (1).
Genome position (GRCh38, 1-based): chr14:76,059,349, C>G. VCF-style: chr14-76059349-C-G. GRCh37 (hg19) VCF-style: chr14-76525692-C-G.
Other names: c.216-17248C>G (NM_052873.3); short protein forms L91V.
Identifiers: ClinVar variation 3045783 (VCV003045783.2), dbSNP rs539781912, ClinGen allele CA7280764.